The following is an entry in ClinVar:

NM_002296.4(LBR):c.1430_1433del (p.Ser477fs)

Gene: LBR (lamin B receptor; minus strand). Cytogenetic location: 1q42.12.
Variant type: Microsatellite.
Coding change: c.1430_1433del on transcript NM_002296.4 (MANE Select); coding-DNA positions 1430 to 1433, 4 bases deleted (GTCA; older notation c.1430_1433delGTCA).
Protein change: p.Ser477fs; shifts the reading frame from serine 477.
Molecular consequence: frameshift variant.
Genome position (GRCh38, 1-based): chr1:225,406,714-225,406,717, TGAC deleted on the plus strand (GTCA on the coding strand, the reverse complement: LBR is on the minus strand); deleting any 4 consecutive bases within chr1:225,406,714-225,406,722 gives the same sequence; the c. name uses the placement nearest the transcript's 3' end. VCF-style (leftmost placement, unchanged base first): chr1-225406713-ATGAC-A. GRCh37 (hg19) VCF-style: chr1-225594415-ATGAC-A.
Other names: c.1430_1433del, p.Ser477fs (NM_194442.3); short protein forms S477fs.
Identifiers: ClinVar variation 2635414 (VCV002635414.1), dbSNP rs2527778968, ClinGen allele CA2695200027.

ClinVar aggregate classification (germline): Likely pathogenic (1 of 4 stars; one submission).

Conditions:
LBR-related disorder. Also called: LBR-related condition; LBR-related disorders.

Submission:

PreventionGenetics, part of Exact Sciences
Classification: Likely pathogenic for LBR-related condition. Last evaluated: 2022-11-15. Review status: criteria provided, single submitter. Criteria: ACMG Guidelines, 2015. Collection method: clinical testing. Allele origin: germline.
Comment: The LBR c.1430_1433delGTCA variant is predicted to result in a frameshift and premature protein termination (p.Ser477Ilefs*12). To our knowledge, this variant has not been reported in the literature or in a large population database, indicating this variant is rare. Frameshift variants in LBR are expected to be pathogenic. This variant is interpreted as likely pathogenic.